The following is an entry in ClinVar:

ClinVar aggregate classification (germline): Uncertain significance (1 of 4 stars; one submission).

gnomAD v4.1: 25 of 1,614,084 alleles (0.0015%); highest among the groups gnomAD compares: African/African-American, 0.031%; no homozygotes.

Submission:

Labcorp Genetics (formerly Invitae), Labcorp
Classification: Uncertain significance. Last evaluated: 2025-11-02. Review status: criteria provided, single submitter. Criteria: Invitae Variant Classification Sherloc (09022015). Collection method: clinical testing. Allele origin: germline.
Comment: This sequence change replaces lysine, which is basic and polar, with arginine, which is basic and polar, at codon 741 of the EPAS1 protein (p.Lys741Arg). This variant is present in population databases (rs377079962, gnomAD 0.04%). This variant has not been reported in the literature in individuals affected with EPAS1-related conditions. An algorithm developed to predict the effect of missense changes on protein structure and function (PolyPhen-2) suggests that this variant is likely to be tolerated. In summary, the available evidence is currently insufficient to determine the role of this variant in disease. Therefore, it has been classified as a Variant of Uncertain Significance.

NM_001430.5(EPAS1):c.2222A>G (p.Lys741Arg)

Gene: EPAS1 (endothelial PAS domain protein 1; plus strand). Cytogenetic location: 2p21.
Variant type: single nucleotide variant.
Coding change: c.2222A>G on transcript NM_001430.5 (MANE Select); coding-DNA position 2222, A replaced by G.
Protein change: p.Lys741Arg; replaces lysine 741 with arginine.
Molecular consequence: missense variant.
Genome position (GRCh38, 1-based): chr2:46,382,024, A>G. VCF-style: chr2-46382024-A-G. GRCh37 (hg19) VCF-style: chr2-46609163-A-G.
Other names: short protein forms K741R.
Identifiers: ClinVar variation 4752266 (VCV004752266.1).